The following is an entry in ClinVar:

NM_001376.5(DYNC1H1):c.13377C>G (p.Ile4459Met)

Gene: DYNC1H1 (dynein cytoplasmic 1 heavy chain 1; plus strand). Cytogenetic location: 14q32.31.
Variant type: single nucleotide variant.
Coding change: c.13377C>G on transcript NM_001376.5 (MANE Select); coding-DNA position 13377, C replaced by G.
Protein change: p.Ile4459Met; replaces isoleucine 4459 with methionine.
Molecular consequence: missense variant.
Genome position (GRCh38, 1-based): chr14:102,049,444, C>G. VCF-style: chr14-102049444-C-G. GRCh37 (hg19) VCF-style: chr14-102515781-C-G.
Other names: short protein forms I4459M.
Identifiers: ClinVar variation 2705916 (VCV002705916.3), dbSNP rs2503888124, ClinGen allele CA391048845.
Genomic context (GRCh38, chr14:102,049,444, plus strand): 5'-TGTGCTGGGGGAGTTGTGAGAGCTGACACCCTGGGCTCTGTGTGCCTTGGCTGCAGGGAT[C>G]TTGCCTCGGAGCTGGTCCCACTACACGGTGCCTGCCGGCATGACCGTCATCCAGTGGGTG-3'
Protein context (NP_001367.2, residues 4449-4469): RTLINELVKG[Ile4459Met]LPRSWSHYTV

ClinVar aggregate classification (germline): Uncertain significance (1 of 4 stars; one submission).

Conditions:
Charcot-Marie-Tooth disease axonal type 2O. Also called: Charcot-Marie-Tooth disease, axonal, type 20; CHARCOT-MARIE-TOOTH NEUROPATHY, AXONAL, TYPE 2O; CHARCOT-MARIE-TOOTH DISEASE, AXONAL, AUTOSOMAL DOMINANT, TYPE 2O; Charcot-Marie-Tooth Neuropathy Type 2O. Identifiers: Orphanet 284232, MedGen C3280220, MONDO:0013644, OMIM 614228.

Submission:

Labcorp Genetics (formerly Invitae), Labcorp
Classification: Uncertain significance for Charcot-Marie-Tooth disease axonal type 2O. Last evaluated: 2023-12-27. Review status: criteria provided, single submitter. Criteria: Invitae Variant Classification Sherloc (09022015). Collection method: clinical testing. Allele origin: germline.
Comment: This sequence change replaces isoleucine, which is neutral and non-polar, with methionine, which is neutral and non-polar, at codon 4459 of the DYNC1H1 protein (p.Ile4459Met). This variant is not present in population databases (gnomAD no frequency). This variant has not been reported in the literature in individuals affected with DYNC1H1-related conditions. Advanced modeling of protein sequence and biophysical properties (such as structural, functional, and spatial information, amino acid conservation, physicochemical variation, residue mobility, and thermodynamic stability) performed at Invitae indicates that this missense variant is not expected to disrupt DYNC1H1 protein function with a negative predictive value of 95%. In summary, the available evidence is currently insufficient to determine the role of this variant in disease. Therefore, it has been classified as a Variant of Uncertain Significance.